The following is an entry in ClinVar:

NM_002087.4(GRN):c.1636T>C (p.Tyr546His)

Gene: GRN (granulin precursor; plus strand). Cytogenetic location: 17q21.31.
Variant type: single nucleotide variant.
Coding change: c.1636T>C on transcript NM_002087.4 (MANE Select); coding-DNA position 1636, T replaced by C.
Protein change: p.Tyr546His; replaces tyrosine 546 with histidine.
Molecular consequence: missense variant.
Genome position (GRCh38, 1-based): chr17:44,352,563, T>C. VCF-style: chr17-44352563-T-C. GRCh37 (hg19) VCF-style: chr17-42429931-T-C.
Other names: short protein forms Y546H.
Identifiers: ClinVar variation 1313507 (VCV001313507.3), dbSNP rs2143349053, ClinGen allele CA399770708.

ClinVar aggregate classification (germline): Uncertain significance. Review status: criteria provided, multiple submitters, no conflicts (2 of 4 stars). 2 submissions from 2 submitters: Uncertain significance (2). Last evaluated 2020-10-20.

Submissions (2):

GeneDx
Classification: Uncertain significance. Last evaluated: 2020-10-20. Review status: criteria provided, single submitter. Criteria: GeneDx Variant Classification Process June 2021. Collection method: clinical testing. Allele origin: germline. Affected: yes.
Comment: Not observed in large population cohorts (Lek et al., 2016); In silico analysis supports that this missense variant has a deleterious effect on protein structure/function; Has not been previously published as pathogenic or benign to our knowledge

Blueprint Genetics
Classification: Uncertain significance. Last evaluated: 2019-08-02. Review status: criteria provided, single submitter. Criteria: ACMG Guidelines, 2015. Collection method: clinical testing. Allele origin: germline.